The following is an entry in ClinVar:

ClinVar aggregate classification (germline): Uncertain significance (1 of 4 stars; one submission).

Conditions:
DYRK1A-related intellectual disability syndrome (MRD7). Also called: DYRK1A Syndrome; Intellectual developmental disorder, autosomal dominant 7. Identifiers: Orphanet 464306, MedGen C5568143, MONDO:0013578, OMIM 614104.

Submission:

Labcorp Genetics (formerly Invitae), Labcorp
Classification: Uncertain significance for DYRK1A-related intellectual disability syndrome. Last evaluated: 2024-03-03. Review status: criteria provided, single submitter. Criteria: Invitae Variant Classification Sherloc (09022015). Collection method: clinical testing. Allele origin: germline.
Comment: This sequence change replaces histidine, which is basic and polar, with glutamine, which is neutral and polar, at codon 619 of the DYRK1A protein (p.His619Gln). This variant is not present in population databases (gnomAD no frequency). This variant has not been reported in the literature in individuals affected with DYRK1A-related conditions. An algorithm developed to predict the effect of missense changes on protein structure and function (PolyPhen-2) suggests that this variant is likely to be disruptive. In summary, the available evidence is currently insufficient to determine the role of this variant in disease. Therefore, it has been classified as a Variant of Uncertain Significance.

NM_001347721.2(DYRK1A):c.1830T>G (p.His610Gln)

Gene: DYRK1A (dual specificity tyrosine phosphorylation regulated kinase 1A; plus strand). Cytogenetic location: 21q22.13.
Variant type: single nucleotide variant.
Coding change: c.1830T>G on transcript NM_001347721.2 (MANE Select); coding-DNA position 1830, T replaced by G.
Protein change: p.His610Gln; replaces histidine 610 with glutamine.
Molecular consequence: missense variant. On other transcripts: 3 prime UTR variant (2).
Genome position (GRCh38, 1-based): chr21:37,512,096, T>G. VCF-style: chr21-37512096-T-G. GRCh37 (hg19) VCF-style: chr21-38884399-T-G.
Other names: c.1830T>G, p.His610Gln (NM_001347722.2, NM_130436.2); c.1743T>G, p.His581Gln (NM_001347723.2); c.1857T>G, p.His619Gln (NM_001396.5); c.*233T>G (NM_101395.2); c.*142T>G (NM_130438.2); short protein forms H581Q, H610Q, H619Q.
Identifiers: ClinVar variation 3729774 (VCV003729774.2).